The following is an entry in ClinVar:

ClinVar aggregate classification (germline): Uncertain significance (1 of 4 stars; one submission).

Submission:

CeGaT Center for Human Genetics Tuebingen
Classification: Uncertain significance. Last evaluated: 2026-06-01. Review status: criteria provided, single submitter. Criteria: CeGaT Center For Human Genetics Tuebingen Variant Classification Criteria Version 2. Collection method: clinical testing. Allele origin: germline. Affected: yes. Observed: 1 variant allele.
Comment: KCNN2: PM2

NM_021614.4(KCNN2):c.253A>G (p.Asn85Asp)

Gene: KCNN2 (potassium calcium-activated channel subfamily N member 2; plus strand). Cytogenetic location: 5q22.3.
Variant type: single nucleotide variant.
Coding change: c.253A>G on transcript NM_021614.4 (MANE Select); coding-DNA position 253, A replaced by G.
Protein change: p.Asn85Asp; replaces asparagine 85 with aspartic acid.
Molecular consequence: missense variant. On other transcripts: non-coding transcript variant (1).
Genome position (GRCh38, 1-based): chr5:114,362,392, A>G. VCF-style: chr5-114362392-A-G. GRCh37 (hg19) VCF-style: chr5-113698089-A-G.
Other names: c.451A>G, p.Asn151Asp (NM_001372233.1); short protein forms N151D, N85D.
Identifiers: ClinVar variation 4873896 (VCV004873896.2).